The following is an entry in ClinVar:

NM_001001671.4(MAP3K15):c.2085C>T (p.His695=)

Gene: MAP3K15 (mitogen-activated protein kinase kinase kinase 15; minus strand). Cytogenetic location: Xp22.12.
Variant type: single nucleotide variant.
Coding change: c.2085C>T on transcript NM_001001671.4 (MANE Select); coding-DNA position 2085, C replaced by T.
Protein change: p.His695=; no amino-acid change (histidine 695 retained).
Molecular consequence: synonymous variant.
Genome position (GRCh38, 1-based): chrX:19,395,190, G>A on the plus strand (C>T on the coding strand, the complement: MAP3K15 is on the minus strand). VCF-style: chrX-19395190-G-A. GRCh37 (hg19) VCF-style: chrX-19413308-G-A.
Identifiers: ClinVar variation 3037954 (VCV003037954.2), dbSNP rs76689000, ClinGen allele CA10363857.

ClinVar aggregate classification (germline): Benign (0 of 4 stars; one submission).

Conditions:
MAP3K15-related disorder. Also called: MAP3K15-related condition.

Allele frequency attached by ClinVar (database versions not stated): gnomAD exomes 0.00096; ExAC 0.00334; gnomAD 0.00817; ESP Exome Variant Server 0.00871; TOPMed 0.00942; 1000 Genomes Project 0.01351; 1000 Genomes Project 30x 0.01374.
gnomAD v4.1: 2,002 of 1,204,898 alleles (0.17%); highest among the groups gnomAD compares: African/African-American, 3%; 16 homozygotes.

Submission:

PreventionGenetics, part of Exact Sciences
Classification: Benign for MAP3K15-related condition. Last evaluated: 2019-07-01. Review status: no assertion criteria provided. Collection method: clinical testing. Allele origin: germline.
Comment: This variant is classified as benign based on ACMG/AMP sequence variant interpretation guidelines (Richards et al. 2015 PMID: 25741868, with internal and published modifications).